The following is an entry in ClinVar:

ClinVar aggregate classification (germline): Pathogenic/Likely pathogenic. Review status: criteria provided, multiple submitters, no conflicts (2 of 4 stars). 2 submissions from 2 submitters: Pathogenic (1); Likely pathogenic (1). Last evaluated 2025-05-11.

Conditions:
Leber congenital amaurosis 5 (LCA5). Also called: Amaurosis congenita of Leber, type 5. Identifiers: Orphanet 65, MedGen C1858301, MONDO:0011473, OMIM 604537.

gnomAD v4.1: 2 of 1,614,132 alleles (0.00012%); highest among the groups gnomAD compares: Non-Finnish European, 0.00017%; no homozygotes.

Submissions (2):

Natera, Inc.
Classification: Likely pathogenic for Leber congenital amaurosis type 5. Last evaluated: 2025-05-11. Review status: criteria provided, single submitter. Criteria: Natera Variant Classification Schema (03/2026). Collection method: clinical testing. Allele origin: germline.
Comment: The c.110C>A variant in LCA5 is a nonsense variant predicted to introduce a stop codon at amino acid 37. This variant is expected to result in nonsense mediated decay, truncation, or a dysfunctional protein product. This variant is rare in the general population with a frequency below the threshold expected for the associated phenotype(s). Given the available evidence, this variant is classified as Likely Pathogenic.

Labcorp Genetics (formerly Invitae), Labcorp
Classification: Pathogenic. Last evaluated: 2023-10-06. Review status: criteria provided, single submitter. Criteria: Invitae Variant Classification Sherloc (09022015). Collection method: clinical testing. Allele origin: germline.
Comment: This sequence change creates a premature translational stop signal (p.Ser37*) in the LCA5 gene. It is expected to result in an absent or disrupted protein product. Loss-of-function variants in LCA5 are known to be pathogenic (PMID: 17546029, 23946133). This variant is not present in population databases (gnomAD no frequency). This variant has not been reported in the literature in individuals affected with LCA5-related conditions. For these reasons, this variant has been classified as Pathogenic.

Literature cited by the submitters: PubMed 17546029 (cited by Labcorp Genetics (formerly Invitae), Labcorp); PubMed 23946133 (cited by Labcorp Genetics (formerly Invitae), Labcorp).

NM_001122769.3(LCA5):c.110C>A (p.Ser37Ter)

Gene: LCA5 (lebercilin LCA5; minus strand). Cytogenetic location: 6q14.1.
Variant type: single nucleotide variant.
Coding change: c.110C>A on transcript NM_001122769.3 (MANE Select); coding-DNA position 110, C replaced by A.
Protein change: p.Ser37Ter; replaces serine 37 with a stop codon.
Molecular consequence: nonsense.
Genome position (GRCh38, 1-based): chr6:79,518,785, G>T on the plus strand (C>A on the coding strand, the complement: LCA5 is on the minus strand). VCF-style: chr6-79518785-G-T. GRCh37 (hg19) VCF-style: chr6-80228502-G-T.
Other names: c.110C>A, p.Ser37Ter (NM_181714.4); c.110C>A (NM_181714.3); short protein forms S37*.
Identifiers: ClinVar variation 2766428 (VCV002766428.5), dbSNP rs374135825, ClinGen allele CA364631692.